The following is an entry in ClinVar:

ClinVar aggregate classification (germline): Benign/Likely benign. Review status: criteria provided, multiple submitters, no conflicts (2 of 4 stars). 2 submissions from 2 submitters: Benign (1); Likely benign (1). Last evaluated 2022-08-04.

Conditions:
Glomuvenous malformation. Also called: GLOMANGIOMAS, MULTIPLE; GLOMUS TUMORS, MULTIPLE; Familial glomangioma; VENOUS MALFORMATIONS WITH GLOMUS CELLS. Identifiers: Orphanet 83454, MedGen C1841984, MONDO:0007672, OMIM 138000.

Allele frequency attached by ClinVar (database versions not stated): gnomAD exomes 0.00020 and 0.00043; ExAC 0.00052; gnomAD 0.00177 and 0.00193; 1000 Genomes Project 0.00180; ESP Exome Variant Server 0.00192; 1000 Genomes Project 30x 0.00203; TOPMed 0.00218.
gnomAD v4.1: 564 of 1,610,908 alleles (0.035%); highest among the groups gnomAD compares: African/African-American, 0.66%; 3 homozygotes.

Submissions (2):

Blueprint Genetics
Classification: Likely benign. Last evaluated: 2022-08-04. Review status: criteria provided, single submitter. Criteria: ACMG Guidelines, 2015. Collection method: clinical testing. Allele origin: germline.

Illumina Laboratory Services, Illumina
Classification: Benign for Glomuvenous malformation. Last evaluated: 2018-01-13. Review status: criteria provided, single submitter. Criteria: ICSL Variant Classification Criteria 13 December 2019. Collection method: clinical testing. Allele origin: germline.
Comment: This variant was observed in the ICSL laboratory as part of a predisposition screen in an ostensibly healthy population. It had not been previously curated by ICSL or reported in the Human Gene Mutation Database (HGMD: prior to June 1st, 2018), and was therefore a candidate for classification through an automated scoring system. Utilizing variant allele frequency, disease prevalence and penetrance estimates, and inheritance mode, an automated score was calculated to assess if this variant is too frequent to cause the disease. Based on the score and internal cut-off values, a variant classified as benign is not then subjected to further curation. The score for this variant resulted in a classification of benign for this disease.

NM_053274.3(GLMN):c.519T>C (p.Leu173=)

Gene: GLMN (glomulin, FKBP associated protein; minus strand). Cytogenetic location: 1p22.1.
Variant type: single nucleotide variant.
Coding change: c.519T>C on transcript NM_053274.3 (MANE Select); coding-DNA position 519, T replaced by C.
Protein change: p.Leu173=; no amino-acid change (leucine 173 retained).
Molecular consequence: synonymous variant. On other transcripts: non-coding transcript variant (1).
Genome position (GRCh38, 1-based): chr1:92,289,027, A>G on the plus strand (T>C on the coding strand, the complement: GLMN is on the minus strand). VCF-style: chr1-92289027-A-G. GRCh37 (hg19) VCF-style: chr1-92754584-A-G.
Other names: c.519T>C, p.Leu173= (NM_001319683.2).
Identifiers: ClinVar variation 298144 (VCV000298144.6), dbSNP rs146069171, ClinGen allele CA950570.